The following is an entry in ClinVar:

NM_015065.3(EXPH5):c.4519G>A (p.Val1507Ile)

Gene: EXPH5 (exophilin 5; minus strand). Cytogenetic location: 11q22.3.
Variant type: single nucleotide variant.
Coding change: c.4519G>A on transcript NM_015065.3 (MANE Select); coding-DNA position 4519, G replaced by A.
Protein change: p.Val1507Ile; replaces valine 1507 with isoleucine.
Molecular consequence: missense variant.
Genome position (GRCh38, 1-based): chr11:108,510,988, C>T on the plus strand (G>A on the coding strand, the complement: EXPH5 is on the minus strand). VCF-style: chr11-108510988-C-T. GRCh37 (hg19) VCF-style: chr11-108381715-C-T.
Other names: c.4291G>A, p.Val1431Ile (NM_001144763.2); c.4051G>A, p.Val1351Ile (NM_001144764.2); c.3955G>A, p.Val1319Ile (NM_001144765.2); c.4498G>A, p.Val1500Ile (NM_001308019.2); short protein forms V1431I, V1351I, V1319I, V1500I, V1507I.
Identifiers: ClinVar variation 3665534 (VCV003665534.2).

ClinVar aggregate classification (germline): Uncertain significance (1 of 4 stars; one submission).

Submission:

Labcorp Genetics (formerly Invitae), Labcorp
Classification: Uncertain significance. Last evaluated: 2025-02-06. Review status: criteria provided, single submitter. Criteria: Invitae Variant Classification Sherloc (09022015). Collection method: clinical testing. Allele origin: germline.
Comment: This sequence change replaces valine, which is neutral and non-polar, with isoleucine, which is neutral and non-polar, at codon 1507 of the EXPH5 protein (p.Val1507Ile). This variant is present in population databases (rs149702505, gnomAD 0.2%). This variant has not been reported in the literature in individuals affected with EXPH5-related conditions. An algorithm developed to predict the effect of missense changes on protein structure and function outputs the following: PolyPhen-2: "Benign". The isoleucine amino acid residue is found in multiple mammalian species, which suggests that this missense change does not adversely affect protein function. In summary, the available evidence is currently insufficient to determine the role of this variant in disease. Therefore, it has been classified as a Variant of Uncertain Significance.